The following is an entry in ClinVar:

ClinVar aggregate classification (germline): Uncertain significance (1 of 4 stars; one submission).

Submission:

Labcorp Genetics (formerly Invitae), Labcorp
Classification: Uncertain significance. Last evaluated: 2022-02-19. Review status: criteria provided, single submitter. Criteria: Invitae Variant Classification Sherloc (09022015). Collection method: clinical testing. Allele origin: germline.
Comment: In summary, the available evidence is currently insufficient to determine the role of this variant in disease. Therefore, it has been classified as a Variant of Uncertain Significance. Algorithms developed to predict the effect of missense changes on protein structure and function are either unavailable or do not agree on the potential impact of this missense change (SIFT: "Tolerated"; PolyPhen-2: "Probably Damaging"; Align-GVGD: "Class C0"). This variant has not been reported in the literature in individuals affected with MPLKIP-related conditions. This variant is not present in population databases (gnomAD no frequency). This sequence change replaces glycine, which is neutral and non-polar, with aspartic acid, which is acidic and polar, at codon 76 of the MPLKIP protein (p.Gly76Asp).

NM_138701.4(MPLKIP):c.227G>A (p.Gly76Asp)

Gene: MPLKIP (M-phase specific PLK1 interacting protein; minus strand). Cytogenetic location: 7p14.1.
Variant type: single nucleotide variant.
Coding change: c.227G>A on transcript NM_138701.4 (MANE Select); coding-DNA position 227, G replaced by A.
Protein change: p.Gly76Asp; replaces glycine 76 with aspartic acid.
Molecular consequence: missense variant.
Genome position (GRCh38, 1-based): chr7:40,134,341, C>T on the plus strand (G>A on the coding strand, the complement: MPLKIP is on the minus strand). VCF-style: chr7-40134341-C-T. GRCh37 (hg19) VCF-style: chr7-40173940-C-T.
Other names: short protein forms G76D.
Identifiers: ClinVar variation 2099442 (VCV002099442.4), dbSNP rs2484141135, ClinGen allele CA367308154.